The following is an entry in ClinVar:

NM_000059.4(BRCA2):c.5935_5936insT (p.Ser1979fs)

Gene: BRCA2 (BRCA2 DNA repair associated; plus strand). Cytogenetic location: 13q13.1.
Variant type: Insertion.
Coding change: c.5935_5936insT on transcript NM_000059.4 (MANE Select); coding-DNA positions 5935 to 5936, T inserted.
Protein change: p.Ser1979fs; shifts the reading frame from serine 1979.
Molecular consequence: frameshift variant.
Genome position: GRCh38 VCF-style: chr13-32340290-A-AT. GRCh37 (hg19) VCF-style: chr13-32914427-A-AT.
Other names: short protein forms S1979fs.
Identifiers: ClinVar variation 254567 (VCV000254567.2), dbSNP rs886038133, ClinGen allele CA10586545.

ClinVar aggregate classification (germline): Pathogenic (3 of 4 stars; one submission).

Conditions:
Breast-ovarian cancer, familial, susceptibility to, 2 (BROVCA2). Also called: BRCA2 Hereditary Breast and Ovarian Cancer. Identifiers: Orphanet 145, MedGen C2675520, MONDO:0012933, OMIM 612555. Disease mechanism: loss of function.

Submission:

Evidence-based Network for the Interpretation of Germline Mutant Alleles (ENIGMA)
Classification: Pathogenic for Breast-ovarian cancer, familial, susceptibility to, 2. Last evaluated: 2016-09-08. Review status: reviewed by expert panel. Criteria: ENIGMA BRCA1/2 Classification Criteria (2015). Collection method: curation. Allele origin: germline.
Comment: Variant allele predicted to encode a truncated non-functional protein.